The following is an entry in ClinVar:

NM_000245.4(MET):c.3029A>G (p.Asp1010Gly)

Gene: MET (MET proto-oncogene, receptor tyrosine kinase; plus strand). Cytogenetic location: 7q31.2.
Variant type: single nucleotide variant.
Coding change: c.3029A>G on transcript NM_000245.4 (MANE Select); coding-DNA position 3029, A replaced by G.
Protein change: p.Asp1010Gly; replaces aspartic acid 1010 with glycine.
Molecular consequence: missense variant.
Genome position (GRCh38, 1-based): chr7:116,774,881, A>G. VCF-style: chr7-116774881-A-G. GRCh37 (hg19) VCF-style: chr7-116414935-A-G.
Other names: c.3083A>G, p.Asp1028Gly (NM_001127500.3); c.1739A>G, p.Asp580Gly (NM_001324402.2); short protein forms D1010G, D1028G, D580G.
Identifiers: ClinVar variation 3602677 (VCV003602677.2).

ClinVar aggregate classification (germline): Uncertain significance. Review status: criteria provided, multiple submitters, no conflicts (2 of 4 stars). 2 submissions from 2 submitters: Uncertain significance (2). Last evaluated 2026-05-22.

Conditions:
Hereditary cancer-predisposing syndrome. Also called: Hereditary neoplastic syndrome; Tumor predisposition; Hereditary Cancer Syndrome; Neoplastic Syndromes, Hereditary. Identifiers: Orphanet 140162, MedGen C0027672, MeSH D009386, MONDO:0015356.
Papillary renal cell carcinoma type 1 (RCCP1). Also called: RENAL CELL CARCINOMA, PAPILLARY, 1, SOMATIC; Renal adenocarcinoma; Renal cell carcinoma 1; Renal cell carcinoma, somatic. Identifiers: Orphanet 47044, MedGen C1336839, OMIM 605074, HP:0011797.

Submissions (2):

Ambry Genetics
Classification: Uncertain significance for Hereditary cancer-predisposing syndrome. Last evaluated: 2026-05-22. Review status: criteria provided, single submitter. Criteria: Ambry Variant Classification Scheme 2023. Collection method: clinical testing. Allele origin: germline.
Comment: The p.D1028G variant (also known as c.3083A>G) is located in coding exon 14 of the MET gene. The aspartic acid at codon 1028 is replaced by glycine, an amino acid with similar properties. This change occurs in the first base pair of coding exon 14. This amino acid position is conserved. In addition, the in silico prediction for this alteration is inconclusive. Based on the available evidence, the clinical significance of this variant remains unclear.

St. Jude Molecular Pathology, St. Jude Children's Research Hospital
Classification: Uncertain significance for Papillary renal cell carcinoma type 1. Last evaluated: 2024-08-03. Review status: criteria provided, single submitter. Criteria: St. Jude Assertion Criteria 2020. Collection method: clinical testing. Allele origin: germline.
Comment: The MET c.3083A>G (p.Asp1028Gly) missense variant is absent in gnomAD v2.1.1. The in silico tool REVEL is inconclusive about a pathogenic or benign effect of this variant on protein function and algorithms that predict the impact of sequence changes on splicing indicate that this variant does not affect splicing. To our knowledge these predictions have not been confirmed by functional or RNA studies. To our knowledge, this variant has not been reported in the literature in individuals with hereditary papillary renal cell carcinoma. In summary, the evidence currently available is insufficient to determine the clinical significance of this variant. It has therefore been classified as of uncertain significance.